The following is an entry in ClinVar:

NM_001614.5(ACTG1):c.72C>T (p.Asp24=)

Genes: ACTG1 (actin gamma 1; minus strand), LOC130061940 (ATAC-STARR-seq lymphoblastoid active region 12964; plus strand). Cytogenetic location: 17q25.3.
Variant type: single nucleotide variant.
Coding change: c.72C>T on transcript NM_001614.5 (MANE Select); coding-DNA position 72, C replaced by T.
Protein change: p.Asp24=; no amino-acid change (aspartic acid 24 retained).
Molecular consequence: synonymous variant. On other transcripts: non-coding transcript variant (1).
Genome position (GRCh38, 1-based): chr17:81,512,283, G>A on the plus strand (C>T on the coding strand, the complement: ACTG1 is on the minus strand). VCF-style: chr17-81512283-G-A. GRCh37 (hg19) VCF-style: chr17-79479309-G-A.
Other names: p.Asp24=; c.72C>T, p.Asp24= (NM_001199954.3).
Identifiers: ClinVar variation 227169 (VCV000227169.52), dbSNP rs139517777, ClinGen allele CA8836405.
Genomic context (GRCh38, chr17:81,512,283, plus strand): 5'-TCCACTCACCTGGTGTCTGGGGCGCCCGACGATGGAAGGAAACACGGCTCGGGGAGCGTC[G>A]TCCCCAGCAAAACCAGCTTTGCACATGCCGGAGCCATTGTCAATGACCAGCGCGGCGATC-3'
Protein context (NP_001605.1, residues 14-34): SGMCKAGFAG[Asp24=]DAPRAVFPSI

ClinVar aggregate classification (germline): Benign/Likely benign. Review status: criteria provided, multiple submitters, no conflicts (2 of 4 stars). 13 submissions from 12 submitters: Benign (6); Likely benign (7). Last evaluated 2025-12-24.

Conditions:
ACTG1-related disorder. Also called: ACTG1-related disorders; ACTG1-related condition.
Autosomal dominant nonsyndromic hearing loss 20. Identifiers: Orphanet 90635, MedGen C1858172, MONDO:0011480, OMIM 604717.
Baraitser-winter syndrome 2. Identifiers: Orphanet 2995, MedGen C3281235, MONDO:0013812, OMIM 614583.

Allele frequency attached by ClinVar (database versions not stated): gnomAD exomes 0.00055 and 0.00078; ExAC 0.00061; gnomAD 0.00107; 1000 Genomes Project 30x 0.00109; TOPMed 0.00110; ESP Exome Variant Server 0.00138; 1000 Genomes Project 0.00140.

Submissions (13):

Labcorp Genetics (formerly Invitae), Labcorp
Classification: Benign for Baraitser-winter syndrome 2; Autosomal dominant nonsyndromic hearing loss 20. Last evaluated: 2025-12-24. Review status: criteria provided, single submitter. Criteria: Invitae Variant Classification Sherloc (09022015). Collection method: clinical testing. Allele origin: germline.

Mayo Clinic Laboratories, Mayo Clinic
Classification: Benign. Last evaluated: 2025-03-20. Review status: criteria provided, single submitter. Criteria: ACMG Guidelines, 2015. Collection method: clinical testing. Allele origin: germline. Observed: 2 variant alleles.
Comment: BA1, BP4, BP7

PreventionGenetics, part of Exact Sciences
Classification: Likely benign for ACTG1-related condition. Last evaluated: 2025-01-10. Review status: criteria provided, single submitter. Criteria: ACMG Guidelines, 2015. Collection method: clinical testing. Allele origin: germline.
Comment: This variant is classified as likely benign based on ACMG/AMP sequence variant interpretation guidelines (Richards et al. 2015 PMID: 25741868, with internal and published modifications).

Blueprint Genetics
Classification: Likely benign. Last evaluated: 2024-11-04. Review status: criteria provided, single submitter. Criteria: ACMG Guidelines, 2015. Collection method: clinical testing. Allele origin: germline.

CeGaT Center for Human Genetics Tuebingen
Classification: Likely benign. Last evaluated: 2023-11-01. Review status: criteria provided, single submitter. Criteria: CeGaT Center For Human Genetics Tuebingen Variant Classification Criteria Version 2. Collection method: clinical testing. Allele origin: germline. Affected: yes. Observed: 1 variant allele.
Comment: ACTG1: BP4, BP7, BS1

Genome-Nilou Lab
Classification: Benign for Baraitser-winter syndrome 2. Last evaluated: 2021-12-05. Review status: criteria provided, single submitter. Criteria: ACMG Guidelines, 2015. Collection method: clinical testing. Allele origin: germline. Affected: no.

Genome-Nilou Lab
Classification: Benign for Autosomal dominant nonsyndromic hearing loss 20. Last evaluated: 2021-12-05. Review status: criteria provided, single submitter. Criteria: ACMG Guidelines, 2015. Collection method: clinical testing. Allele origin: germline. Affected: no.

Athena Diagnostics
Classification: Benign. Last evaluated: 2021-03-03. Review status: criteria provided, single submitter. Criteria: Athena Diagnostics criteria. Collection method: clinical testing. Allele origin: unknown.

Genetic Services Laboratory, University of Chicago
Classification: Likely benign. Last evaluated: 2020-03-04. Review status: criteria provided, single submitter. Criteria: ACMG Guidelines, 2015. Collection method: clinical testing. Allele origin: germline. Affected: no.

GeneDx
Classification: Benign. Last evaluated: 2019-01-15. Review status: criteria provided, single submitter. Criteria: GeneDx Variant Classification Process June 2021. Collection method: clinical testing. Allele origin: germline. Affected: yes.

Eurofins Ntd Llc (ga)
Classification: Likely benign. Last evaluated: 2015-07-02. Review status: criteria provided, single submitter. Criteria: EGL Classification Definitions 2015. Collection method: clinical testing. Allele origin: germline. Observed: 1 variant allele, 1 heterozygote.

Laboratory for Molecular Medicine, Mass General Brigham Personalized Medicine
Classification: Likely benign. Last evaluated: 2012-04-30. Review status: criteria provided, single submitter. Criteria: LMM Criteria. Collection method: clinical testing. Allele origin: germline. Observed: 1 variant allele.
Comment: Asp24Asp in Exon 02 of ACTG1: This variant is not expected to have clinical sign ificance because it does not alter an amino acid residue, is not located within the splice consensus sequence, and has been identified in 0.3% (12/3738) of Afri can American chromosomes from a broad population by the NHLBI Exome Sequencing P roject (dbSNP rs139517777).

Breakthrough Genomics
Classification: Likely benign. Review status: criteria provided, single submitter. Criteria: ACMG Guidelines, 2015. Collection method: not provided. Allele origin: germline. Inheritance: Autosomal dominant inheritance. Affected: yes.